The following is an entry in ClinVar:

ClinVar aggregate classification (germline): Uncertain significance. Review status: criteria provided, multiple submitters, no conflicts (2 of 4 stars). 2 submissions from 2 submitters: Uncertain significance (2). Last evaluated 2025-06-09.

Conditions:
Inborn genetic diseases. Identifiers: MedGen C0950123, MeSH D030342.

gnomAD v4.1: 2 of 1,613,520 alleles (0.00012%); highest among the groups gnomAD compares: Non-Finnish European, 0.00017%; no homozygotes.

Submissions (2):

Labcorp Genetics (formerly Invitae), Labcorp
Classification: Uncertain significance. Last evaluated: 2025-06-09. Review status: criteria provided, single submitter. Criteria: Invitae Variant Classification Sherloc (09022015). Collection method: clinical testing. Allele origin: germline.
Comment: This sequence change replaces asparagine, which is neutral and polar, with histidine, which is basic and polar, at codon 1193 of the ANKRD26 protein (p.Asn1193His). This variant is not present in population databases (gnomAD no frequency). This variant has not been reported in the literature in individuals affected with ANKRD26-related conditions. ClinVar contains an entry for this variant (Variation ID: 3870762). An algorithm developed to predict the effect of missense changes on protein structure and function (PolyPhen-2) suggests that this variant is likely to be disruptive. In summary, the available evidence is currently insufficient to determine the role of this variant in disease. Therefore, it has been classified as a Variant of Uncertain Significance.

Ambry Genetics
Classification: Uncertain significance for Inborn genetic diseases. Last evaluated: 2025-01-25. Review status: criteria provided, single submitter. Criteria: Ambry Variant Classification Scheme 2023. Collection method: clinical testing. Allele origin: germline.
Comment: The p.N1193H variant (also known as c.3577A>C), located in coding exon 24 of the ANKRD26 gene, results from an A to C substitution at nucleotide position 3577. The asparagine at codon 1193 is replaced by histidine, an amino acid with similar properties. This amino acid position is conserved. In addition, this alteration is predicted to be tolerated by in silico analysis. Based on the available evidence, the clinical significance of this variant remains unclear.

NM_014915.3(ANKRD26):c.3577A>C (p.Asn1193His)

Gene: ANKRD26 (ankyrin repeat domain 26; minus strand). Cytogenetic location: 10p12.1.
Variant type: single nucleotide variant.
Coding change: c.3577A>C on transcript NM_014915.3 (MANE Select); coding-DNA position 3577, A replaced by C.
Protein change: p.Asn1193His; replaces asparagine 1193 with histidine.
Molecular consequence: missense variant.
Genome position (GRCh38, 1-based): chr10:27,034,873, T>G on the plus strand (A>C on the coding strand, the complement: ANKRD26 is on the minus strand). VCF-style: chr10-27034873-T-G. GRCh37 (hg19) VCF-style: chr10-27323802-T-G.
Other names: c.3574A>C, p.Asn1192His (NM_001256053.2); short protein forms N1192H, N1193H.
Identifiers: ClinVar variation 3870762 (VCV003870762.2).